The following is an entry in ClinVar:

ClinVar aggregate classification (germline): Uncertain significance (1 of 4 stars; one submission).

Conditions:
DNA ligase IV deficiency. Identifiers: Orphanet 99812, MedGen C1847827, MONDO:0011686, OMIM 606593.

Allele frequency attached by ClinVar (database versions not stated): gnomAD exomes below 0.00001.
gnomAD v4.1: 2 of 1,614,128 alleles (0.00012%); highest among the groups gnomAD compares: Non-Finnish European, 0.00017%; no homozygotes.

Submission:

Labcorp Genetics (formerly Invitae), Labcorp
Classification: Uncertain significance for DNA ligase IV deficiency. Last evaluated: 2020-07-07. Review status: criteria provided, single submitter. Criteria: Invitae Variant Classification Sherloc (09022015). Collection method: clinical testing. Allele origin: germline.
Comment: This variant is not present in population databases (ExAC no frequency). This sequence change replaces lysine with asparagine at codon 731 of the LIG4 protein (p.Lys731Asn). The lysine residue is weakly conserved and there is a moderate physicochemical difference between lysine and asparagine. In summary, the available evidence is currently insufficient to determine the role of this variant in disease. Therefore, it has been classified as a Variant of Uncertain Significance. Algorithms developed to predict the effect of missense changes on protein structure and function output the following: SIFT: "Tolerated"; PolyPhen-2: "Benign"; Align-GVGD: "Class C0". The asparagine amino acid residue is found in multiple mammalian species, suggesting that this missense change does not adversely affect protein function. These predictions have not been confirmed by published functional studies and their clinical significance is uncertain. This variant has not been reported in the literature in individuals with LIG4-related conditions.

NM_206937.2(LIG4):c.2193G>C (p.Lys731Asn)

Gene: LIG4 (DNA ligase 4; minus strand). Cytogenetic location: 13q33.3.
Variant type: single nucleotide variant.
Coding change: c.2193G>C on transcript NM_206937.2 (MANE Select); coding-DNA position 2193, G replaced by C.
Protein change: p.Lys731Asn; replaces lysine 731 with asparagine.
Molecular consequence: missense variant.
Genome position (GRCh38, 1-based): chr13:108,209,076, C>G on the plus strand (G>C on the coding strand, the complement: LIG4 is on the minus strand). VCF-style: chr13-108209076-C-G. GRCh37 (hg19) VCF-style: chr13-108861424-C-G.
Other names: c.2193G>C, p.Lys731Asn (NM_001098268.2, NM_001352598.2, NM_001352599.2 and 6 more transcripts); c.1992G>C, p.Lys664Asn (NM_001330595.2); c.2229G>C, p.Lys743Asn (NM_001352604.2); short protein forms K731N, K664N, K743N.
Identifiers: ClinVar variation 1035301 (VCV001035301.8), dbSNP rs1878269517, ClinGen allele CA388613816.
Genomic context (GRCh38, chr13:108,209,076, plus strand): 5'-TTTGGTTGATGGGCACATATGAATCATAAAGCGAGGCTGCCATGGTACAAAGCTTTTGGT[C>G]TTAAAACATTCTAAAAGCCATGCAGGCTTGACAACATCATGTTTATTTGACAAAATTATG-3'
Protein context (NP_996820.1, residues 721-741): VKPAWLLECF[Lys731Asn]TKSFVPWQPR